The following is an entry in ClinVar:

NM_004415.4(DSP):c.7714A>G (p.Ser2572Gly)

Gene: DSP (desmoplakin; plus strand). Cytogenetic location: 6p24.3.
Variant type: single nucleotide variant.
Coding change: c.7714A>G on transcript NM_004415.4 (MANE Select); coding-DNA position 7714, A replaced by G.
Protein change: p.Ser2572Gly; replaces serine 2572 with glycine.
Molecular consequence: missense variant.
Genome position (GRCh38, 1-based): chr6:7,584,976, A>G. VCF-style: chr6-7584976-A-G. GRCh37 (hg19) VCF-style: chr6-7585209-A-G.
Other names: c.5917A>G, p.Ser1973Gly (NM_001008844.3); c.6385A>G, p.Ser2129Gly (NM_001319034.2); short protein forms S2572G, S1973G, S2129G.
Identifiers: ClinVar variation 4789120 (VCV004789120.1).
Genomic context (GRCh38, chr6:7,584,976, plus strand): 5'-CTCAGCCTCACTCAATTTGCTGACATGATCTCCTTGAAAAATGGTGTCGGCACCAGCAGC[A>G]GCATGGGCAGTGGTGTCAGCGATGATGTTTTTAGCAGCTCCCGACATGAATCAGTAAGTA-3'
Protein context (NP_004406.2, residues 2562-2582): SLKNGVGTSS[Ser2572Gly]MGSGVSDDVF

ClinVar aggregate classification (germline): Uncertain significance (1 of 4 stars; one submission).

Conditions:
Arrhythmogenic right ventricular dysplasia 8 (ARVD8). Also called: Arrhythmogenic Right Ventricular Dysplasia/Cardiomyopathy 8; ARRHYTHMOGENIC RIGHT VENTRICULAR DYSPLASIA, FAMILIAL, 8; ARRHYTHMOGENIC RIGHT VENTRICULAR CARDIOMYOPATHY 8. Identifiers: MedGen C1843896, MONDO:0011831, OMIM 607450.
Arrhythmogenic cardiomyopathy with wooly hair and keratoderma. Also called: Arrhythmogenic cardiomyopathy with woolly hair and keratoderma; PALMOPLANTAR KERATODERMA WITH LEFT VENTRICULAR CARDIOMYOPATHY AND WOOLLY HAIR; Carvajal syndrome; Dilated cardiomyopathy with woolly hair and keratoderma. Identifiers: Orphanet 65282, MedGen C1854063, MONDO:0011581, OMIM 605676.

gnomAD v4.1: 1 of 1,614,238 alleles (0.000062%); no homozygotes.

Submission:

Labcorp Genetics (formerly Invitae), Labcorp
Classification: Uncertain significance for Arrhythmogenic cardiomyopathy with wooly hair and keratoderma; Arrhythmogenic right ventricular dysplasia 8. Last evaluated: 2025-04-20. Review status: criteria provided, single submitter. Criteria: Invitae Variant Classification Sherloc (09022015). Collection method: clinical testing. Allele origin: germline.
Comment: This sequence change replaces serine, which is neutral and polar, with glycine, which is neutral and non-polar, at codon 2572 of the DSP protein (p.Ser2572Gly). This variant is not present in population databases (gnomAD no frequency). This variant has not been reported in the literature in individuals affected with DSP-related conditions. An algorithm developed to predict the effect of missense changes on protein structure and function outputs the following: PolyPhen-2: "Benign". The glycine amino acid residue is found in multiple mammalian species, which suggests that this missense change does not adversely affect protein function. In summary, the available evidence is currently insufficient to determine the role of this variant in disease. Therefore, it has been classified as a Variant of Uncertain Significance.